The following is an entry in ClinVar:

NM_000368.5(TSC1):c.3426C>T (p.Pro1142=)

Gene: TSC1 (TSC complex subunit 1; minus strand). Cytogenetic location: 9q34.13.
Variant type: single nucleotide variant.
Coding change: c.3426C>T on transcript NM_000368.5 (MANE Select); coding-DNA position 3426, C replaced by T.
Protein change: p.Pro1142=; no amino-acid change (proline 1142 retained).
Molecular consequence: synonymous variant.
Genome position (GRCh38, 1-based): chr9:132,896,304, G>A on the plus strand (C>T on the coding strand, the complement: TSC1 is on the minus strand). VCF-style: chr9-132896304-G-A. GRCh37 (hg19) VCF-style: chr9-135771691-G-A.
Other names: c.3423C>T, p.Pro1141= (NM_001162426.2); c.3273C>T, p.Pro1091= (NM_001162427.2); c.3063C>T, p.Pro1021= (NM_001362177.2).
Identifiers: ClinVar variation 237720 (VCV000237720.18), dbSNP rs758286878, ClinGen allele CA036933.

ClinVar aggregate classification (germline): Conflicting classifications of pathogenicity. Review status: criteria provided, conflicting classifications (1 of 4 stars). 6 submissions from 6 submitters: Uncertain significance (1); Benign (1); Likely benign (4). Last evaluated 2025-09-01.

Conditions:
Hereditary cancer-predisposing syndrome. Also called: Neoplastic Syndromes, Hereditary; Hereditary Cancer Syndrome; Tumor predisposition; Hereditary neoplastic syndrome. Identifiers: Orphanet 140162, MedGen C0027672, MeSH D009386, MONDO:0015356.
Tuberous sclerosis 1 (TSC1). Identifiers: Orphanet 805, MedGen C1854465, MONDO:0008612, OMIM 191100.

Allele frequency attached by ClinVar (database versions not stated): gnomAD exomes below 0.00001; ExAC 0.00001.
gnomAD v4.1: 9 of 1,614,212 alleles (0.00056%); highest among the groups gnomAD compares: Middle Eastern, 0.066%; no homozygotes.

Submissions (6):

Labcorp Genetics (formerly Invitae), Labcorp
Classification: Likely benign for Tuberous sclerosis 1. Last evaluated: 2025-09-01. Review status: criteria provided, single submitter. Criteria: Invitae Variant Classification Sherloc (09022015). Collection method: clinical testing. Allele origin: germline.

Quest Diagnostics Nichols Institute San Juan Capistrano
Classification: Uncertain significance. Last evaluated: 2025-07-03. Review status: criteria provided, single submitter. Criteria: Quest Diagnostics criteria. Collection method: clinical testing. Allele origin: unknown.

Myriad Genetics, Inc.
Classification: Benign for Tuberous sclerosis 1. Last evaluated: 2025-04-30. Review status: criteria provided, single submitter. Criteria: Myriad Autosomal Dominant, Autosomal Recessive and X-Linked Classification Criteria (2023). Collection method: clinical testing. Allele origin: unknown.
Comment: This variant is considered benign. This variant is a silent/synonymous amino acid change and it is not expected to impact splicing.

Blueprint Genetics
Classification: Likely benign. Last evaluated: 2024-01-11. Review status: criteria provided, single submitter. Criteria: ACMG Guidelines, 2015. Collection method: clinical testing. Allele origin: germline.

Sema4
Classification: Likely benign for Hereditary cancer-predisposing syndrome. Last evaluated: 2021-12-07. Review status: criteria provided, single submitter. Criteria: Sema4 Curation Guidelines. Collection method: curation. Allele origin: germline.

Ambry Genetics
Classification: Likely benign for Hereditary cancer-predisposing syndrome. Last evaluated: 2019-10-04. Review status: criteria provided, single submitter. Criteria: Ambry Variant Classification Scheme 2023. Collection method: clinical testing. Allele origin: germline.